The following is an entry in ClinVar:

NM_206933.4(USH2A):c.11232-1G>A

Gene: USH2A (usherin; minus strand). Cytogenetic location: 1q41.
Variant type: single nucleotide variant.
Coding change: c.11232-1G>A on transcript NM_206933.4 (MANE Select); the canonical splice acceptor site of the intron before coding-DNA position 11232, G replaced by A.
Molecular consequence: splice acceptor variant.
Genome position (GRCh38, 1-based): chr1:215,758,753, C>T on the plus strand (G>A on the coding strand, the complement: USH2A is on the minus strand). VCF-style: chr1-215758753-C-T. GRCh37 (hg19) VCF-style: chr1-215932095-C-T.
Identifiers: ClinVar variation 1520495 (VCV001520495.6), dbSNP rs2102741367, ClinGen allele CA344821407.

ClinVar aggregate classification (germline): Likely pathogenic (1 of 4 stars; one submission).

Submission:

Labcorp Genetics (formerly Invitae), Labcorp
Classification: Likely pathogenic. Last evaluated: 2022-09-02. Review status: criteria provided, single submitter. Criteria: Invitae Variant Classification Sherloc (09022015). Collection method: clinical testing. Allele origin: germline.
Comment: Algorithms developed to predict the effect of sequence changes on RNA splicing suggest that this variant may disrupt the consensus splice site. In summary, the currently available evidence indicates that the variant is pathogenic, but additional data are needed to prove that conclusively. Therefore, this variant has been classified as Likely Pathogenic. ClinVar contains an entry for this variant (Variation ID: 1520495). This variant has not been reported in the literature in individuals affected with USH2A-related conditions. This variant is not present in population databases (gnomAD no frequency). This sequence change affects an acceptor splice site in intron 57 of the USH2A gene. It is expected to disrupt RNA splicing. Variants that disrupt the donor or acceptor splice site typically lead to a loss of protein function (PMID: 16199547), and loss-of-function variants in USH2A are known to be pathogenic (PMID: 10729113, 10909849, 20507924, 25649381).

Literature cited by the submitters: PubMed 16199547; PubMed 10729113; PubMed 10909849; PubMed 20507924; PubMed 25649381.